The following is an entry in ClinVar:

ClinVar aggregate classification (germline): Uncertain significance (1 of 4 stars; one submission).

Conditions:
Cardiovascular phenotype. Identifiers: MedGen CN230736.

gnomAD v4.1: 2 of 1,613,210 alleles (0.00012%); highest among the groups gnomAD compares: Non-Finnish European, 0.00017%; no homozygotes.

Submission:

Ambry Genetics
Classification: Uncertain significance for Cardiovascular phenotype. Last evaluated: 2024-04-12. Review status: criteria provided, single submitter. Criteria: Ambry Variant Classification Scheme 2023. Collection method: clinical testing. Allele origin: germline.
Comment: The p.P1331L variant (also known as c.3992C>T), located in coding exon 29 of the LAMA4 gene, results from a C to T substitution at nucleotide position 3992. The proline at codon 1331 is replaced by leucine, an amino acid with similar properties. This amino acid position is conserved. In addition, this alteration is predicted to be tolerated by in silico analysis. Based on the available evidence, the clinical significance of this variant remains unclear.

NM_001105206.3(LAMA4):c.4013C>T (p.Pro1338Leu)

Gene: LAMA4 (laminin subunit alpha 4; minus strand). Cytogenetic location: 6q21.
Variant type: single nucleotide variant.
Coding change: c.4013C>T on transcript NM_001105206.3 (MANE Select); coding-DNA position 4013, C replaced by T.
Protein change: p.Pro1338Leu; replaces proline 1338 with leucine.
Molecular consequence: missense variant.
Genome position (GRCh38, 1-based): chr6:112,129,996, G>A on the plus strand (C>T on the coding strand, the complement: LAMA4 is on the minus strand). VCF-style: chr6-112129996-G-A. GRCh37 (hg19) VCF-style: chr6-112451198-G-A.
Other names: c.3992C>T, p.Pro1331Leu (NM_001105207.3, NM_002290.5); short protein forms P1331L, P1338L.
Identifiers: ClinVar variation 3289934 (VCV003289934.1).
Genomic context (GRCh38, chr6:112,129,996, plus strand): 5'-GAGCCACCGAAGTAAAACTTCTTTTCACTTGCTTGTGTCTGTTCTATTTTCCCTTTGGTA[G>A]GATTCTTACTCCCAACTCTGCTTTTATCTACTATCAGTTCATATCTGCAAAAGAAAAAGG-3'
Protein context (NP_001098676.2, residues 1328-1348): VDKSRVGSKN[Pro1338Leu]TKGKIEQTQA